The following is an entry in ClinVar:

NM_001953.5(TYMP):c.1160-1G>C

Genes: SCO2 (synthesis of cytochrome C oxidase 2; minus strand), TYMP (thymidine phosphorylase; minus strand), LOC130067862 (ATAC-STARR-seq lymphoblastoid silent region 13986; plus strand). Cytogenetic location: 22q13.33.
Variant type: single nucleotide variant.
Coding change: c.1160-1G>C on transcript NM_001953.5 (MANE Select); the canonical splice acceptor site of the intron before coding-DNA position 1160, G replaced by C.
Molecular consequence: splice acceptor variant. On other transcripts: missense variant (1), 5 prime UTR variant (1), intron variant (1).
Genome position (GRCh38, 1-based): chr22:50,526,142, C>G on the plus strand (G>C on the coding strand, the complement: TYMP is on the minus strand). VCF-style: chr22-50526142-C-G. GRCh37 (hg19) VCF-style: chr22-50964571-C-G.
Other names: c.1160-1G>C (NM_001257988.1, NM_001113755.3, NM_001113756.3); c.1174G>C, p.Gly392Arg (NM_001257989.1); c.-155G>C (NM_001169110.1); c.-14+104G>C (NM_001169109.2); short protein forms G392R.
Identifiers: ClinVar variation 16658 (VCV000016658.4), dbSNP rs797044455, ClinGen allele CA212981.

ClinVar aggregate classification (germline): Likely pathogenic. Review status: criteria provided, single submitter (1 of 4 stars). 3 submissions from 3 submitters: Likely pathogenic (1). 2 of the submissions do not count toward it. Last evaluated 2025-08-21.

Conditions:
Mitochondrial DNA depletion syndrome 1. Also called: Mitochondrial DNA depletion syndrome 1 (MNGIE type); Mitochondrial DNA Depletion Syndrome, MNGIE Form; MITOCHONDRIAL NEUROGASTROINTESTINAL ENCEPHALOPATHY SYNDROME, TYMP-RELATED; MNGIE, TYMP-RELATED; Mitochondrial neurogastrointestinal encephalomyopathy syndrome; POLIP SYNDROME. Identifiers: Orphanet 298, MedGen C4551995, MONDO:0011283, OMIM 603041.

Submissions (3):

GeneDx
Classification: Likely pathogenic. Last evaluated: 2025-08-21. Review status: criteria provided, single submitter. Criteria: GeneDx Variant Classification Process June 2021. Collection method: clinical testing. Allele origin: germline. Affected: yes.
Comment: Canonical splice site variant predicted to result in an in-frame loss of the adjacent exon in a gene for which loss of function is a known mechanism of disease; Not observed at significant frequency in large population cohorts (gnomAD); This variant is associated with the following publications: (PMID: 25525159, 19748572, 35841120, 20301358, 9924029)

GeneReviews
Classification: Pathogenic for Mitochondrial DNA depletion syndrome 1. Last evaluated: 2016-01-14. Review status: no assertion criteria provided. Collection method: literature only. Allele origin: germline. Affected: yes. Not counted in ClinVar's aggregate classification.

OMIM
Classification: Pathogenic for MITOCHONDRIAL DNA DEPLETION SYNDROME 1 (MNGIE TYPE). Last evaluated: 1999-01-29. Review status: no assertion criteria provided. Collection method: literature only. Allele origin: germline. Not counted in ClinVar's aggregate classification.

Literature cited by the submitters: PubMed 9924029 (cited by GeneReviews and OMIM).